The following is an entry in ClinVar:

ClinVar aggregate classification (germline): Uncertain significance (1 of 4 stars; one submission).

Conditions:
Cardiovascular phenotype. Identifiers: MedGen CN230736.

Submission:

Ambry Genetics
Classification: Uncertain significance for Cardiovascular phenotype. Last evaluated: 2025-09-07. Review status: criteria provided, single submitter. Criteria: Ambry Variant Classification Scheme 2023. Collection method: clinical testing. Allele origin: germline.
Comment: The p.P569A variant (also known as c.1705C>G), located in coding exon 13 of the APOB gene, results from a C to G substitution at nucleotide position 1705. The proline at codon 569 is replaced by alanine, an amino acid with highly similar properties. This amino acid position is conserved. In addition, this alteration is predicted to be tolerated by in silico analysis. Based on the available evidence, the clinical significance of this variant remains unclear.

NM_000384.3(APOB):c.1705C>G (p.Pro569Ala)

Gene: APOB (apolipoprotein B; minus strand). Cytogenetic location: 2p24.1.
Variant type: single nucleotide variant.
Coding change: c.1705C>G on transcript NM_000384.3 (MANE Select); coding-DNA position 1705, C replaced by G.
Protein change: p.Pro569Ala; replaces proline 569 with alanine.
Molecular consequence: missense variant.
Genome position (GRCh38, 1-based): chr2:21,028,451, G>C on the plus strand (C>G on the coding strand, the complement: APOB is on the minus strand). VCF-style: chr2-21028451-G-C. GRCh37 (hg19) VCF-style: chr2-21251323-G-C.
Other names: short protein forms P569A.
Identifiers: ClinVar variation 4125512 (VCV004125512.1).
Genomic context (GRCh38, chr2:21,028,451, plus strand): 5'-CTTGCTCATTCTGTTCCCATGGTAGAATTTGGACAATTTTGTTAATATCTGCCTGTGAAG[G>C]ACTCCTCATCAACATAAGATAGGCAGCCAGTCGCTTATCTCCCGGAGAAGCATCATCAAG-3'
Protein context (NP_000375.3, residues 559-579): LAAYLMLMRS[Pro569Ala]SQADINKIVQ